The following is an entry in ClinVar:

NM_015425.6(POLR1A):c.3605G>A (p.Arg1202His)

Gene: POLR1A (RNA polymerase I subunit A; minus strand). Cytogenetic location: 2p11.2.
Variant type: single nucleotide variant.
Coding change: c.3605G>A on transcript NM_015425.6 (MANE Select); coding-DNA position 3605, G replaced by A.
Protein change: p.Arg1202His; replaces arginine 1202 with histidine.
Molecular consequence: missense variant.
Genome position (GRCh38, 1-based): chr2:86,040,527, C>T on the plus strand (G>A on the coding strand, the complement: POLR1A is on the minus strand). VCF-style: chr2-86040527-C-T. GRCh37 (hg19) VCF-style: chr2-86267650-C-T.
Other names: c.3605G>A (NM_015425.3); short protein forms R1202H.
Identifiers: ClinVar variation 1382240 (VCV001382240.9), dbSNP rs370267724, ClinGen allele CA1745718.

ClinVar aggregate classification (germline): Uncertain significance. Review status: criteria provided, multiple submitters, no conflicts (2 of 4 stars). 2 submissions from 2 submitters: Uncertain significance (2). Last evaluated 2024-12-02.

Conditions:
Inborn genetic diseases. Identifiers: MedGen C0950123, MeSH D030342.

Allele frequency attached by ClinVar (database versions not stated): gnomAD exomes 0.00002 and 0.00005; TOPMed 0.00003; gnomAD 0.00004 and 0.00006; ExAC 0.00006; ESP Exome Variant Server 0.00008.
gnomAD v4.1: 82 of 1,597,498 alleles (0.0051%); highest among the groups gnomAD compares: Non-Finnish European, 0.0059%; no homozygotes.

Submissions (2):

Labcorp Genetics (formerly Invitae), Labcorp
Classification: Uncertain significance. Last evaluated: 2024-12-02. Review status: criteria provided, single submitter. Criteria: Invitae Variant Classification Sherloc (09022015). Collection method: clinical testing. Allele origin: germline.
Comment: This sequence change replaces arginine, which is basic and polar, with histidine, which is basic and polar, at codon 1202 of the POLR1A protein (p.Arg1202His). This variant is present in population databases (rs370267724, gnomAD 0.01%). This variant has not been reported in the literature in individuals affected with POLR1A-related conditions. ClinVar contains an entry for this variant (Variation ID: 1382240). Invitae Evidence Modeling of protein sequence and biophysical properties (such as structural, functional, and spatial information, amino acid conservation, physicochemical variation, residue mobility, and thermodynamic stability) indicates that this missense variant is expected to disrupt POLR1A protein function with a positive predictive value of 80%. In summary, the available evidence is currently insufficient to determine the role of this variant in disease. Therefore, it has been classified as a Variant of Uncertain Significance.

Ambry Genetics
Classification: Uncertain significance for Inborn genetic diseases. Last evaluated: 2024-11-12. Review status: criteria provided, single submitter. Criteria: Ambry Variant Classification Scheme 2023. Collection method: clinical testing. Allele origin: germline.